The following is an entry in ClinVar:

NM_031476.4(CRISPLD2):c.1305+27A>G

Genes: CRISPLD2 (cysteine rich secretory protein LCCL domain containing 2; plus strand), LOC126862429 (CDK7 strongly-dependent group 2 enhancer GRCh37_chr16:84913207-84914406; plus strand). Cytogenetic location: 16q24.1.
Variant type: single nucleotide variant.
Coding change: c.1305+27A>G on transcript NM_031476.4 (MANE Select); 27 bases into the intron after coding-DNA position 1305, A replaced by G.
Molecular consequence: intron variant.
Genome position (GRCh38, 1-based): chr16:84,880,611, A>G. VCF-style: chr16-84880611-A-G. GRCh37 (hg19) VCF-style: chr16-84914217-A-G.
Identifiers: ClinVar variation 2646931 (VCV002646931.24), dbSNP rs182202972, ClinGen allele CA8212076.

ClinVar aggregate classification (germline): Likely benign (1 of 4 stars; one submission).

Allele frequency attached by ClinVar (database versions not stated): ExAC 0.00060; ESP Exome Variant Server 0.00100; gnomAD 0.00131; TOPMed 0.00161; 1000 Genomes Project 0.00200; 1000 Genomes Project 30x 0.00203; gnomAD exomes 0.00032.
gnomAD v4.1: 709 of 1,598,172 alleles (0.044%); highest among the groups gnomAD compares: African/African-American, 0.3%; 2 homozygotes.

Submission:

CeGaT Center for Human Genetics Tuebingen
Classification: Likely benign. Last evaluated: 2023-01-01. Review status: criteria provided, single submitter. Criteria: CeGaT Center For Human Genetics Tuebingen Variant Classification Criteria Version 2. Collection method: clinical testing. Allele origin: germline. Affected: yes. Observed: 1 variant allele.
Comment: CRISPLD2: BP4, BP7